The following is an entry in ClinVar:

NM_001367624.2(ZNF469):c.2272G>A (p.Ala758Thr)

Gene: ZNF469 (zinc finger protein 469; plus strand). Cytogenetic location: 16q24.2.
Variant type: single nucleotide variant.
Coding change: c.2272G>A on transcript NM_001367624.2 (MANE Select); coding-DNA position 2272, G replaced by A.
Protein change: p.Ala758Thr; replaces alanine 758 with threonine.
Molecular consequence: missense variant.
Genome position (GRCh38, 1-based): chr16:88,429,742, G>A. VCF-style: chr16-88429742-G-A. GRCh37 (hg19) VCF-style: chr16-88496150-G-A.
Other names: NM_001127464.1:c.2272G>A; short protein forms A758T.
Identifiers: ClinVar variation 1974064 (VCV001974064.5), dbSNP rs1285810208, ClinGen allele CA397071007.

ClinVar aggregate classification (germline): Conflicting classifications of pathogenicity. Review status: criteria provided, conflicting classifications (1 of 4 stars). 3 submissions from 3 submitters: Uncertain significance (2); Likely benign (1). Last evaluated 2026-08-19.

Conditions:
Cardiovascular phenotype. Identifiers: MedGen CN230736.

Allele frequency attached by ClinVar (database versions not stated): TOPMed 0.00001.
gnomAD v4.1: 14 of 1,544,626 alleles (0.00091%); highest among the groups gnomAD compares: Non-Finnish European, 0.0011%; no homozygotes.

Submissions (3):

Ambry Genetics
Classification: Likely benign for Cardiovascular phenotype. Last evaluated: 2026-08-19. Review status: criteria provided, single submitter. Criteria: Ambry Variant Classification Scheme 2023. Collection method: clinical testing. Allele origin: germline.

Women's Health and Genetics/Laboratory Corporation of America, LabCorp
Classification: Uncertain significance. Last evaluated: 2026-01-16. Review status: criteria provided, single submitter. Criteria: LabCorp Variant Classification Summary - May 2015. Collection method: clinical testing. Allele origin: germline.
Comment: Variant summary: ZNF469 c.2272G>A (p.Ala758Thr) results in a non-conservative amino acid change in the encoded protein sequence. Algorithms developed to predict the effect of missense changes on protein structure and function are either unavailable or do not agree on the potential impact of this missense change. The frequency data for this variant in gnomAD is considered unreliable, as metrics indicate poor data quality at this position. To our knowledge, no occurrence of c.2272G>A in individuals affected with ZNF469-related conditions and no experimental evidence demonstrating its impact on protein function have been reported. ClinVar contains an entry for this variant (Variation ID: 1974064). Based on the evidence outlined above, the variant was classified as uncertain significance.

Labcorp Genetics (formerly Invitae), Labcorp
Classification: Uncertain significance. Last evaluated: 2022-07-04. Review status: criteria provided, single submitter. Criteria: Invitae Variant Classification Sherloc (09022015). Collection method: clinical testing. Allele origin: germline.
Comment: This sequence change replaces alanine, which is neutral and non-polar, with threonine, which is neutral and polar, at codon 758 of the ZNF469 protein (p.Ala758Thr). This variant is not present in population databases (gnomAD no frequency). This variant has not been reported in the literature in individuals affected with ZNF469-related conditions. Algorithms developed to predict the effect of missense changes on protein structure and function output the following: SIFT: "Tolerated"; PolyPhen-2: "Benign"; Align-GVGD: "Class C0". The threonine amino acid residue is found in multiple mammalian species, which suggests that this missense change does not adversely affect protein function. In summary, the available evidence is currently insufficient to determine the role of this variant in disease. Therefore, it has been classified as a Variant of Uncertain Significance.